The following is an entry in ClinVar:

NM_004304.5(ALK):c.1715A>G (p.Lys572Arg)

Gene: ALK (ALK receptor tyrosine kinase; minus strand). Cytogenetic location: 2p23.2.
Variant type: single nucleotide variant.
Coding change: c.1715A>G on transcript NM_004304.5 (MANE Select); coding-DNA position 1715, A replaced by G.
Protein change: p.Lys572Arg; replaces lysine 572 with arginine.
Molecular consequence: missense variant.
Genome position (GRCh38, 1-based): chr2:29,296,990, T>C on the plus strand (A>G on the coding strand, the complement: ALK is on the minus strand). VCF-style: chr2-29296990-T-C. GRCh37 (hg19) VCF-style: chr2-29519856-T-C.
Other names: c.1715A>G (NM_004304.4); short protein forms K572R.
Identifiers: ClinVar variation 2703165 (VCV002703165.4), dbSNP rs2148231178, ClinGen allele CA346466379.

ClinVar aggregate classification (germline): Uncertain significance. Review status: criteria provided, multiple submitters, no conflicts (2 of 4 stars). 2 submissions from 2 submitters: Uncertain significance (2). Last evaluated 2025-03-08.

Conditions:
Neuroblastoma, susceptibility to, 3. Also called: ALK-Related Neuroblastic Tumor Susceptibility. Identifiers: Orphanet 635, MedGen C2751681, MONDO:0013083, OMIM 613014.
Hereditary cancer-predisposing syndrome. Also called: Hereditary Cancer Syndrome; Hereditary neoplastic syndrome; Neoplastic Syndromes, Hereditary; Tumor predisposition. Identifiers: Orphanet 140162, MedGen C0027672, MeSH D009386, MONDO:0015356.

Submissions (2):

Ambry Genetics
Classification: Uncertain significance for Hereditary cancer-predisposing syndrome. Last evaluated: 2025-03-08. Review status: criteria provided, single submitter. Criteria: Ambry Variant Classification Scheme 2023. Collection method: clinical testing. Allele origin: germline.
Comment: The p.K572R variant (also known as c.1715A>G), located in coding exon 9 of the ALK gene, results from an A to G substitution at nucleotide position 1715. The lysine at codon 572 is replaced by arginine, an amino acid with highly similar properties. This amino acid position is conserved. In addition, this alteration is predicted to be tolerated by in silico analysis. Based on the available evidence, the clinical significance of this variant remains unclear.

Labcorp Genetics (formerly Invitae), Labcorp
Classification: Uncertain significance for Neuroblastoma, susceptibility to, 3. Last evaluated: 2023-09-13. Review status: criteria provided, single submitter. Criteria: Invitae Variant Classification Sherloc (09022015). Collection method: clinical testing. Allele origin: germline.
Comment: In summary, the available evidence is currently insufficient to determine the role of this variant in disease. Therefore, it has been classified as a Variant of Uncertain Significance. Algorithms developed to predict the effect of missense changes on protein structure and function output the following: SIFT: "Not Available"; PolyPhen-2: "Possibly Damaging"; Align-GVGD: "Not Available". The arginine amino acid residue is found in multiple mammalian species, which suggests that this missense change does not adversely affect protein function. This variant has not been reported in the literature in individuals affected with ALK-related conditions. This variant is not present in population databases (gnomAD no frequency). This sequence change replaces lysine, which is basic and polar, with arginine, which is basic and polar, at codon 572 of the ALK protein (p.Lys572Arg).